The following is an entry in ClinVar:

ClinVar aggregate classification (germline): Pathogenic (1 of 4 stars; one submission).

Conditions:
Leber congenital amaurosis 13 (LCA13). Identifiers: MedGen C2675186, MONDO:0012990, OMIM 612712.

Submission:

Labcorp Genetics (formerly Invitae), Labcorp
Classification: Pathogenic for Leber congenital amaurosis 13. Last evaluated: 2020-05-26. Review status: criteria provided, single submitter. Criteria: Invitae Variant Classification Sherloc (09022015). Collection method: clinical testing. Allele origin: germline.
Comment: Loss-of-function variants in RDH12 are known to be pathogenic (PMID: 17964524, 22065924). For these reasons, this variant has been classified as Pathogenic. This variant is not present in population databases (ExAC no frequency). Algorithms developed to predict the effect of sequence changes on RNA splicing suggest that this variant may create or strengthen a splice site, but this prediction has not been confirmed by published transcriptional studies. This variant has not been reported in the literature in individuals with RDH12-related conditions. This sequence change creates a premature translational stop signal (p.Ser175*) in the RDH12 gene. It is expected to result in an absent or disrupted protein product.

Literature cited by the submitters: PubMed 17964524; PubMed 22065924.

NM_152443.3(RDH12):c.524C>A (p.Ser175Ter)

Genes: RDH12 (retinol dehydrogenase 12; plus strand), GPHN (gephyrin; plus strand). Cytogenetic location: 14q24.1.
Variant type: single nucleotide variant.
Coding change: c.524C>A on transcript NM_152443.3 (MANE Select); coding-DNA position 524, C replaced by A.
Protein change: p.Ser175Ter; replaces serine 175 with a stop codon.
Molecular consequence: nonsense.
Genome position (GRCh38, 1-based): chr14:67,727,056, C>A. VCF-style: chr14-67727056-C-A. GRCh37 (hg19) VCF-style: chr14-68193773-C-A.
Other names: short protein forms S175*.
Identifiers: ClinVar variation 1076205 (VCV001076205.7), dbSNP rs116733939, ClinGen allele CA390150899.